The following is an entry in ClinVar:

ClinVar aggregate classification (germline): Pathogenic (1 of 4 stars; one submission).

Conditions:
Hereditary nonpolyposis colorectal neoplasms. Identifiers: MedGen C0009405, MeSH D003123.

Submission:

Labcorp Genetics (formerly Invitae), Labcorp
Classification: Pathogenic for Hereditary nonpolyposis colon cancer. Last evaluated: 2019-01-11. Review status: criteria provided, single submitter. Criteria: Invitae Variant Classification Sherloc (09022015). Collection method: clinical testing. Allele origin: germline.
Comment: This variant is a gross deletion of the genomic region encompassing exon 15 of the PMS2 gene. The 5' boundary is likely confined to intron 14. The 3' end of this event is unknown as it extends through the termination codon beyond the assayed region for this gene and may encompass additional genes. While this deletion is not anticipated to result in nonsense mediated decay, it is expected to create a truncated PMS2 protein. Loss-of-function variants in PMS2 are known to be pathogenic. Similar deletions of exon 15 of the PMS2 gene have been reported in the literature in individuals affected with Lynch syndrome and constitutional mismatch repair deficiency syndrome (PMID: 2440087, 21618646). For these reasons, this variant has been classified as Pathogenic.

Literature cited by the submitters: PubMed 2440087; PubMed 21618646.

NC_000007.14:g.(?_5973389)_(5973552_?)del

Gene: PMS2 (PMS1 homolog 2, mismatch repair system component; minus strand). Cytogenetic location: 7p22.1.
Variant type: Deletion.
Identifiers: ClinVar variation 654112 (VCV000654112.2).